The following is an entry in ClinVar:

ClinVar aggregate classification (germline): Uncertain significance (1 of 4 stars; one submission).

Submission:

GeneDx
Classification: Uncertain significance. Last evaluated: 2024-05-07. Review status: criteria provided, single submitter. Criteria: GeneDx Variant Classification Process June 2021. Collection method: clinical testing. Allele origin: germline. Affected: yes.
Comment: Not observed at significant frequency in large population cohorts (gnomAD); In silico analysis indicates that this missense variant does not alter protein structure/function; Has not been previously published as pathogenic or benign to our knowledge

NM_001330260.2(SCN8A):c.5135T>C (p.Leu1712Pro)

Gene: SCN8A (sodium voltage-gated channel alpha subunit 8; plus strand). Cytogenetic location: 12q13.13.
Variant type: single nucleotide variant.
Coding change: c.5135T>C on transcript NM_001330260.2 (MANE Select); coding-DNA position 5135, T replaced by C.
Protein change: p.Leu1712Pro; replaces leucine 1712 with proline.
Molecular consequence: missense variant.
Genome position (GRCh38, 1-based): chr12:51,806,621, T>C. VCF-style: chr12-51806621-T-C. GRCh37 (hg19) VCF-style: chr12-52200405-T-C.
Other names: c.5012T>C, p.Leu1671Pro (NM_001177984.3, NM_001369788.1); c.5135T>C, p.Leu1712Pro (NM_014191.4); short protein forms L1671P, L1712P.
Identifiers: ClinVar variation 3375903 (VCV003375903.1).
Genomic context (GRCh38, chr12:51,806,621, plus strand): 5'-GCAACAGCATGATCTGCCTGTTTCAAATCACAACCTCAGCTGGTTGGGATGGCCTGCTGC[T>C]GCCCATCCTAAACCGCCCCCCTGACTGCAGCCTAGATAAGGAACACCCAGGGAGTGGCTT-3'
Protein context (NP_001317189.1, residues 1702-1722): TTSAGWDGLL[Leu1712Pro]PILNRPPDCS